The following is an entry in ClinVar:

ClinVar aggregate classification (germline): Uncertain significance (1 of 4 stars; one submission).

Conditions:
Hereditary pheochromocytoma and paraganglioma. Also called: Hereditary pheochromocytoma-paraganglioma; Hereditary Paraganglioma-Pheochromocytoma Syndromes; Hereditary paragangliomas and pheochromocytomas. Identifiers: Orphanet 29072, MedGen C4274332, MONDO:0017366.

Submission:

All of Us Research Program, National Institutes of Health
Classification: Uncertain significance for Hereditary pheochromocytoma and paraganglioma. Last evaluated: 2023-11-20. Review status: criteria provided, single submitter. Criteria: ACMG Guidelines, 2015. Collection method: clinical testing. Allele origin: germline. Inheritance: Autosomal dominant inheritance. Observed: 1 variant allele, 1 heterozygote.
Comment: This missense variant replaces alanine with proline at codon 66 of the SDHC protein. Computational prediction suggests that this variant may have deleterious impact on protein structure and function (internally defined REVEL score threshold >= 0.7, PMID: 27666373). To our knowledge, functional studies have not been reported for this variant. This variant has not been reported in individuals affected with SDHC-related disorders in the literature. This variant has been identified in 1/31384 chromosomes in the general population by the Genome Aggregation Database (gnomAD). The available evidence is insufficient to determine the role of this variant in disease conclusively. Therefore, this variant is classified as a Variant of Uncertain Significance.

This study involves interpretation of variants in research participants for the purpose of population health screening. Participant phenotype was not available at the time of variant classification. Additional details can be found in publication PMID: 35346344, PMCID: PMC8962531

NM_003001.5(SDHC):c.196G>C (p.Ala66Pro)

Gene: SDHC (succinate dehydrogenase complex subunit C; plus strand). Cytogenetic location: 1q23.3.
Variant type: single nucleotide variant.
Coding change: c.196G>C on transcript NM_003001.5 (MANE Select); coding-DNA position 196, G replaced by C.
Protein change: p.Ala66Pro; replaces alanine 66 with proline.
Molecular consequence: missense variant. On other transcripts: non-coding transcript variant (1).
Genome position (GRCh38, 1-based): chr1:161,340,610, G>C. VCF-style: chr1-161340610-G-C. GRCh37 (hg19) VCF-style: chr1-161310400-G-C.
Other names: c.196G>C, p.Ala66Pro (NM_001035511.3); c.94G>C, p.Ala32Pro (NM_001035512.3, NM_001278172.3, NM_001407118.1); c.37G>C, p.Ala13Pro (NM_001035513.3); c.316G>C, p.Ala106Pro (NM_001407115.1); c.139G>C, p.Ala47Pro (NM_001407116.1, NM_001407117.1, NM_001407121.1); c.85G>C, p.Ala29Pro (NM_001407119.1, NM_001407120.1); short protein forms A106P, A13P, A29P, A32P, A47P, A66P.
Identifiers: ClinVar variation 3074545 (VCV003074545.1), dbSNP rs1162090559, ClinGen allele CA343365756.